The following is an entry in ClinVar:

ClinVar aggregate classification (germline): Uncertain significance (1 of 4 stars; one submission).

gnomAD v4.1: 3 of 1,573,538 alleles (0.00019%); highest among the groups gnomAD compares: East Asian, 0.0024%; no homozygotes.

Submission:

Labcorp Genetics (formerly Invitae), Labcorp
Classification: Uncertain significance. Last evaluated: 2022-09-27. Review status: criteria provided, single submitter. Criteria: Invitae Variant Classification Sherloc (09022015). Collection method: clinical testing. Allele origin: germline.
Comment: This sequence change replaces aspartic acid, which is acidic and polar, with asparagine, which is neutral and polar, at codon 466 of the FSCN2 protein (p.Asp466Asn). This variant is not present in population databases (gnomAD no frequency). This variant has not been reported in the literature in individuals affected with FSCN2-related conditions. Algorithms developed to predict the effect of missense changes on protein structure and function are either unavailable or do not agree on the potential impact of this missense change (SIFT: "Tolerated"; PolyPhen-2: "Probably Damaging"; Align-GVGD: "Class C0"). In summary, the available evidence is currently insufficient to determine the role of this variant in disease. Therefore, it has been classified as a Variant of Uncertain Significance.

NM_012418.4(FSCN2):c.1324G>A (p.Asp442Asn)

Gene: FSCN2 (fascin actin-bundling protein 2, retinal; plus strand). Cytogenetic location: 17q25.3.
Variant type: single nucleotide variant.
Coding change: c.1324G>A on transcript NM_012418.4 (MANE Select); coding-DNA position 1324, G replaced by A.
Protein change: p.Asp442Asn; replaces aspartic acid 442 with asparagine.
Molecular consequence: missense variant.
Genome position (GRCh38, 1-based): chr17:81,536,925, G>A. VCF-style: chr17-81536925-G-A. GRCh37 (hg19) VCF-style: chr17-79503951-G-A.
Other names: c.1396G>A, p.Asp466Asn (NM_001077182.3); short protein forms D442N, D466N.
Identifiers: ClinVar variation 1968199 (VCV001968199.5), dbSNP rs779493223, ClinGen allele CA401478573.